The following is an entry in ClinVar:

ClinVar aggregate classification (germline): Uncertain significance. Review status: criteria provided, multiple submitters, no conflicts (2 of 4 stars). 5 submissions from 5 submitters: Uncertain significance (4). 1 of the submissions does not count toward it. Last evaluated 2024-05-09.

Conditions:
Retinitis pigmentosa 51 (RP51). Identifiers: Orphanet 791, MedGen C3150715, MONDO:0013274, OMIM 613464.
Bardet-Biedl syndrome 8 (BBS8). Identifiers: Orphanet 110, MedGen C1859566, MONDO:0014436, OMIM 615985.
Bardet-Biedl syndrome (BBS). Identifiers: Orphanet 110, MedGen C0752166, MONDO:0015229.
TTC8-related disorder. Also called: TTC8-related condition.

Allele frequency attached by ClinVar (database versions not stated): gnomAD exomes 0.00001; TOPMed 0.00001; ExAC 0.00002; gnomAD 0.00003.
gnomAD v4.1: 21 of 1,613,968 alleles (0.0013%); highest among the groups gnomAD compares: Non-Finnish European, 0.0017%; no homozygotes.

Submissions (5):

Fulgent Genetics
Classification: Uncertain significance for Retinitis pigmentosa 51; Bardet-Biedl syndrome 8. Last evaluated: 2024-05-09. Review status: criteria provided, single submitter. Criteria: ACMG Guidelines, 2015. Collection method: clinical testing. Allele origin: germline.

Labcorp Genetics (formerly Invitae), Labcorp
Classification: Uncertain significance for Bardet-Biedl syndrome. Last evaluated: 2023-08-17. Review status: criteria provided, single submitter. Criteria: Invitae Variant Classification Sherloc (09022015). Collection method: clinical testing. Allele origin: germline.
Comment: This sequence change replaces glutamic acid, which is acidic and polar, with glycine, which is neutral and non-polar, at codon 317 of the TTC8 protein (p.Glu317Gly). This variant is present in population databases (rs749721461, gnomAD 0.004%). This variant has not been reported in the literature in individuals affected with TTC8-related conditions. ClinVar contains an entry for this variant (Variation ID: 1006376). Advanced modeling of protein sequence and biophysical properties (such as structural, functional, and spatial information, amino acid conservation, physicochemical variation, residue mobility, and thermodynamic stability) performed at Invitae indicates that this missense variant is expected to disrupt TTC8 protein function. In summary, the available evidence is currently insufficient to determine the role of this variant in disease. Therefore, it has been classified as a Variant of Uncertain Significance.

Blueprint Genetics
Classification: Uncertain significance. Last evaluated: 2019-11-07. Review status: criteria provided, single submitter. Criteria: ACMG Guidelines, 2015. Collection method: clinical testing. Allele origin: germline.

Breakthrough Genomics
Classification: Uncertain significance. Review status: criteria provided, single submitter. Criteria: ACMG Guidelines, 2015. Collection method: not provided. Allele origin: germline. Inheritance: Autosomal recessive inheritance. Affected: yes.

PreventionGenetics, part of Exact Sciences
Classification: Uncertain significance for TTC8-related condition. Last evaluated: 2024-09-04. Review status: no assertion criteria provided. Collection method: clinical testing. Allele origin: germline. Not counted in ClinVar's aggregate classification.
Comment: The TTC8 c.980A>G variant is predicted to result in the amino acid substitution p.Glu327Gly. To our knowledge, this variant has not been reported in the literature. This variant is reported in 0.0039% of alleles in individuals of European (Non-Finnish) descent in gnomAD. At this time, the clinical significance of this variant is uncertain due to the absence of conclusive functional and genetic evidence.

NM_144596.4(TTC8):c.980A>G (p.Glu327Gly)

Gene: TTC8 (tetratricopeptide repeat domain 8; plus strand). Cytogenetic location: 14q31.3.
Variant type: single nucleotide variant.
Coding change: c.980A>G on transcript NM_144596.4 (MANE Select); coding-DNA position 980, A replaced by G.
Protein change: p.Glu327Gly; replaces glutamic acid 327 with glycine.
Molecular consequence: missense variant. On other transcripts: non-coding transcript variant (1).
Genome position (GRCh38, 1-based): chr14:88,870,129, A>G. VCF-style: chr14-88870129-A-G. GRCh37 (hg19) VCF-style: chr14-89336473-A-G.
Other names: c.1028A>G, p.Glu343Gly (NM_001288781.1); c.386A>G, p.Glu129Gly (NM_001288782.1); c.263A>G, p.Glu88Gly (NM_001288783.1); c.950A>G, p.Glu317Gly (NM_001366535.2, NM_198309.3); c.860A>G, p.Glu287Gly (NM_001366536.2, NM_198310.3); c.980A>G (NM_144596.3); short protein forms E129G, E287G, E317G, E327G, E343G, E88G.
Identifiers: ClinVar variation 1006376 (VCV001006376.9), dbSNP rs749721461, ClinGen allele CA7302646.